The following is an entry in ClinVar:

ClinVar aggregate classification (germline): Uncertain significance (1 of 4 stars; one submission).

gnomAD v4.1: 1 of 1,613,508 alleles (0.000062%); highest among the groups gnomAD compares: Middle Eastern, 0.017%; no homozygotes.

Submission:

Labcorp Genetics (formerly Invitae), Labcorp
Classification: Uncertain significance. Last evaluated: 2025-06-23. Review status: criteria provided, single submitter. Criteria: Invitae Variant Classification Sherloc (09022015). Collection method: clinical testing. Allele origin: germline.
Comment: This sequence change replaces isoleucine, which is neutral and non-polar, with threonine, which is neutral and polar, at codon 601 of the SAMD9 protein (p.Ile601Thr). This variant is not present in population databases (gnomAD no frequency). This variant has not been reported in the literature in individuals affected with SAMD9-related conditions. ClinVar contains an entry for this variant (Variation ID: 3636744). Invitae Evidence Modeling of protein sequence and biophysical properties (such as structural, functional, and spatial information, amino acid conservation, physicochemical variation, residue mobility, and thermodynamic stability) indicates that this missense variant is not expected to disrupt SAMD9 protein function with a negative predictive value of 95%. In summary, the available evidence is currently insufficient to determine the role of this variant in disease. Therefore, it has been classified as a Variant of Uncertain Significance.

NM_017654.4(SAMD9):c.1802T>C (p.Ile601Thr)

Gene: SAMD9 (sterile alpha motif domain containing 9; minus strand). Cytogenetic location: 7q21.2.
Variant type: single nucleotide variant.
Coding change: c.1802T>C on transcript NM_017654.4 (MANE Select); coding-DNA position 1802, T replaced by C.
Protein change: p.Ile601Thr; replaces isoleucine 601 with threonine.
Molecular consequence: missense variant.
Genome position (GRCh38, 1-based): chr7:93,104,296, A>G on the plus strand (T>C on the coding strand, the complement: SAMD9 is on the minus strand). VCF-style: chr7-93104296-A-G. GRCh37 (hg19) VCF-style: chr7-92733609-A-G.
Other names: c.1802T>C, p.Ile601Thr (NM_001193307.2); short protein forms I601T.
Identifiers: ClinVar variation 3636744 (VCV003636744.2).